The following is an entry in ClinVar:

ClinVar aggregate classification (germline): Uncertain significance (1 of 4 stars; one submission).

Conditions:
Cowden syndrome 6 (CWS6). Identifiers: Orphanet 201, MedGen C3554519, MONDO:0014048, OMIM 615109.

Submission:

Labcorp Genetics (formerly Invitae), Labcorp
Classification: Uncertain significance for Cowden syndrome 6. Last evaluated: 2024-10-22. Review status: criteria provided, single submitter. Criteria: Invitae Variant Classification Sherloc (09022015). Collection method: clinical testing. Allele origin: germline.
Comment: This sequence change replaces glycine, which is neutral and non-polar, with serine, which is neutral and polar, at codon 373 of the AKT1 protein (p.Gly373Ser). This variant is not present in population databases (gnomAD no frequency). This variant has not been reported in the literature in individuals affected with AKT1-related conditions. ClinVar contains an entry for this variant (Variation ID: 2049535). An algorithm developed to predict the effect of missense changes on protein structure and function outputs the following: PolyPhen-2: "Benign". The serine amino acid residue is found in multiple mammalian species, which suggests that this missense change does not adversely affect protein function. In summary, the available evidence is currently insufficient to determine the role of this variant in disease. Therefore, it has been classified as a Variant of Uncertain Significance.

NM_001382430.1(AKT1):c.1117G>A (p.Gly373Ser)

Gene: AKT1 (AKT serine/threonine kinase 1; minus strand). Cytogenetic location: 14q32.33.
Variant type: single nucleotide variant.
Coding change: c.1117G>A on transcript NM_001382430.1 (MANE Select); coding-DNA position 1117, G replaced by A.
Protein change: p.Gly373Ser; replaces glycine 373 with serine.
Molecular consequence: missense variant.
Genome position (GRCh38, 1-based): chr14:104,772,933, C>T on the plus strand (G>A on the coding strand, the complement: AKT1 is on the minus strand). VCF-style: chr14-104772933-C-T. GRCh37 (hg19) VCF-style: chr14-105239270-C-T.
Other names: c.1117G>A, p.Gly373Ser (NM_001014431.2, NM_001014432.2, NM_001382431.1 and 3 more transcripts); short protein forms G373S.
Identifiers: ClinVar variation 2049535 (VCV002049535.4), dbSNP rs2140900764, ClinGen allele CA391216742.